The following is an entry in ClinVar:

GRCh37/hg19 17q12(chr17:34822465-36404136)x1

Genes: AATF (apoptosis antagonizing transcription factor; plus strand), ACACA (acetyl-CoA carboxylase alpha; minus strand), C17orf78 (chromosome 17 open reading frame 78; plus strand), DDX52 (DExD-box helicase 52; minus strand), DHRS11 (dehydrogenase/reductase 11; plus strand) and 12 more. Cytogenetic location: 17q12.
Variant type: copy number loss.
Change: copy number 1 (one copy instead of two) of chr17:34,822,465-36,404,136 (1.58 Mb, GRCh37 coordinates, 1-based), cytogenetic band 17q12.
Identifiers: ClinVar variation 564443 (VCV000564443.3).

ClinVar aggregate classification (germline): Pathogenic (0 of 4 stars; one submission).

Submission:

Quest Diagnostics Nichols Institute San Juan Capistrano
Classification: Pathogenic. Last evaluated: 2021-05-01. Review status: no assertion criteria provided. Collection method: clinical testing. Allele origin: germline.
Comment: The copy number loss of 17q12 is consistent with 17q12 recurrent deletion syndrome , which is characterized by variable combinations of the three following findings: structural or functional abnormalities of the kidney and urinary tract, maturity-onset diabetes of the young type 5 (MODY5), and neurodevelopmental or neuropsychiatric disorders (e.g., global developmental delay, intellectual disability, autism spectrum disorder, schizophrenia, anxiety, and bipolar disorder GeneReviews). This deletion includes the HNF1B (OMIM *189907) gene, haploinsufficiency of which has been associated with autosomal dominant renal cysts and diabetes (RCAD) syndrome (also referred to as MODY5, OMIM #137920, is one of the clinical features of the 17q12 deletion syndrome) and noninsulin-dependent diabetes mellitus (OMIM #125853) (Bellanne-Chantelot et. al, Diabetes. 2005;54(11): 3126-32. PMID: 16249435; Mefford et al. 2007 Am. J. Hum. Genet. 81: 1057-1069. PMID: 17924346).